The following is an entry in ClinVar:

NM_000535.7(PMS2):c.*6G>T

Gene: PMS2 (PMS1 homolog 2, mismatch repair system component; minus strand). Cytogenetic location: 7p22.1.
Variant type: single nucleotide variant.
Coding change: c.*6G>T on transcript NM_000535.7 (MANE Select); 6 bases downstream of the stop codon, G replaced by T.
Molecular consequence: 3 prime UTR variant. On other transcripts: non-coding transcript variant (1).
Genome position (GRCh38, 1-based): chr7:5,973,393, C>A on the plus strand (G>T on the coding strand, the complement: PMS2 is on the minus strand). VCF-style: chr7-5973393-C-A. GRCh37 (hg19) VCF-style: chr7-6013024-C-A.
Other names: c.*6G>T (NM_001322003.2, NM_001322004.2, NM_001322005.2 and 56 more transcripts).
Identifiers: ClinVar variation 3903647 (VCV003903647.1).
Genomic context (GRCh38, chr7:5,973,393, plus strand): 5'-GAAGACTCTGTCTTTCAAAACATAAAAATCTGCGATAAAACCAATTATTCCATACAGTGA[C>A]TACGGTCAGTTCTGAGAAATGACACCCAGGTTGGCGATGTGTCTCATGGTTGGCCTTCCA-3'

ClinVar aggregate classification (germline): Benign (1 of 4 stars; one submission).

Conditions:
Lynch syndrome 4 (LYNCH4). Also called: Colorectal cancer, hereditary nonpolyposis, type 4; Hereditary non-polyposis colorectal cancer, type 4. Identifiers: Orphanet 144, MedGen C1838333, MONDO:0013699, OMIM 614337. Disease mechanism: loss of function.

Submission:

Myriad Genetics, Inc.
Classification: Benign for Lynch syndrome 4. Last evaluated: 2025-02-04. Review status: criteria provided, single submitter. Criteria: Myriad Autosomal Dominant, Autosomal Recessive and X-Linked Classification Criteria (2023). Collection method: clinical testing. Allele origin: unknown.
Comment: This variant is considered benign. This variant occurs in the non-coding 3' untranslated region of the gene, and is not expected to impact protein function.